The following is an entry in ClinVar:

NM_138927.4(SON):c.5013T>G (p.Asn1671Lys)

Gene: SON (SON DNA and RNA binding protein; plus strand). Cytogenetic location: 21q22.11.
Variant type: single nucleotide variant.
Coding change: c.5013T>G on transcript NM_138927.4 (MANE Select); coding-DNA position 5013, T replaced by G.
Protein change: p.Asn1671Lys; replaces asparagine 1671 with lysine.
Molecular consequence: missense variant. On other transcripts: non-coding transcript variant (1), intron variant (1).
Genome position (GRCh38, 1-based): chr21:33,554,244, T>G. VCF-style: chr21-33554244-T-G. GRCh37 (hg19) VCF-style: chr21-34926550-T-G.
Other names: c.5013T>G, p.Asn1671Lys (NM_001291411.2, NM_001412133.1, NM_032195.3 and 2 more transcripts); c.245-2912T>G (NM_001291412.3); c.5013T>G (NM_138927.2); short protein forms N1671K.
Identifiers: ClinVar variation 2793806 (VCV002793806.4), dbSNP rs901103826, ClinGen allele CA320154372.

ClinVar aggregate classification (germline): Uncertain significance. Review status: criteria provided, multiple submitters, no conflicts (2 of 4 stars). 2 submissions from 2 submitters: Uncertain significance (2). Last evaluated 2026-04-14.

Allele frequency attached by ClinVar (database versions not stated): TOPMed below 0.00001.

Submissions (2):

GeneDx
Classification: Uncertain significance. Last evaluated: 2026-04-14. Review status: criteria provided, single submitter. Criteria: GeneDx Variant Classification Process June 2021. Collection method: clinical testing. Allele origin: germline.
Comment: Not observed at significant frequency in large population cohorts (gnomAD); In silico analysis suggests that this missense variant does not alter protein structure/function; Has not been previously published as pathogenic or benign to our knowledge

Labcorp Genetics (formerly Invitae), Labcorp
Classification: Uncertain significance. Last evaluated: 2023-12-17. Review status: criteria provided, single submitter. Criteria: Invitae Variant Classification Sherloc (09022015). Collection method: clinical testing. Allele origin: germline.
Comment: This sequence change replaces asparagine, which is neutral and polar, with lysine, which is basic and polar, at codon 1671 of the SON protein (p.Asn1671Lys). This variant is not present in population databases (gnomAD no frequency). This variant has not been reported in the literature in individuals affected with SON-related conditions. An algorithm developed to predict the effect of missense changes on protein structure and function (PolyPhen-2) suggests that this variant is likely to be disruptive. In summary, the available evidence is currently insufficient to determine the role of this variant in disease. Therefore, it has been classified as a Variant of Uncertain Significance.